The following is an entry in ClinVar:

ClinVar aggregate classification (germline): Benign/Likely benign. Review status: criteria provided, multiple submitters, no conflicts (2 of 4 stars). 4 submissions from 2 submitters: Benign (3); Likely benign (1). Last evaluated 2023-01-01.

Conditions:
Familial multiple trichoepitheliomata. Also called: Familial multiple trichoepithelioma. Identifiers: Orphanet 79493, Orphanet 867, MedGen C1275122, MONDO:0011114.
Brooke-Spiegler syndrome. Also called: CYLD Cutaneous Syndrome. Identifiers: Orphanet 79493, MedGen C1857941, MONDO:0011512, OMIM 605041.
Familial cylindromatosis. Also called: Turban tumor syndrome; ANCELL-SPIEGLER CYLINDROMAS. Identifiers: Orphanet 211, Orphanet 79493, MedGen C1851526, MONDO:0007565, OMIM 132700.

Allele frequency attached by ClinVar (database versions not stated): 1000 Genomes Project 30x 0.00078; 1000 Genomes Project 0.00080; TOPMed 0.00183; gnomAD 0.00212 and 0.00218; gnomAD exomes 0.00215.
gnomAD v4.1: 484 of 232,046 alleles (0.21%); highest among the groups gnomAD compares: Non-Finnish European, 0.33%; 1 homozygote.

Submissions (4):

CeGaT Center for Human Genetics Tuebingen
Classification: Likely benign. Last evaluated: 2023-01-01. Review status: criteria provided, single submitter. Criteria: CeGaT Center For Human Genetics Tuebingen Variant Classification Criteria Version 2. Collection method: clinical testing. Allele origin: germline. Affected: yes. Observed: 2 variant alleles.
Comment: CYLD: BS1

Illumina Laboratory Services, Illumina
Classification: Benign for Brooke-Spiegler syndrome. Last evaluated: 2018-01-12. Review status: criteria provided, single submitter. Criteria: ICSL Variant Classification Criteria 13 December 2019. Collection method: clinical testing. Allele origin: germline.
Comment: This variant was observed in the ICSL laboratory as part of a predisposition screen in an ostensibly healthy population. It had not been previously curated by ICSL or reported in the Human Gene Mutation Database (HGMD: prior to June 1st, 2018), and was therefore a candidate for classification through an automated scoring system. Utilizing variant allele frequency, disease prevalence and penetrance estimates, and inheritance mode, an automated score was calculated to assess if this variant is too frequent to cause the disease. Based on the score and internal cut-off values, a variant classified as benign is not then subjected to further curation. The score for this variant resulted in a classification of benign for this disease.

Illumina Laboratory Services, Illumina
Classification: Benign for Trichoepithelioma, multiple familial, 1. Last evaluated: 2018-01-12. Review status: criteria provided, single submitter. Criteria: ICSL Variant Classification Criteria 13 December 2019. Collection method: clinical testing. Allele origin: germline.
Comment: the same text as in the submission from Illumina Laboratory Services, Illumina above.

Illumina Laboratory Services, Illumina
Classification: Benign for Familial cylindromatosis. Last evaluated: 2018-01-12. Review status: criteria provided, single submitter. Criteria: ICSL Variant Classification Criteria 13 December 2019. Collection method: clinical testing. Allele origin: germline.
Comment: the same text as in the submission from Illumina Laboratory Services, Illumina above.

NM_001378743.1(CYLD):c.*1590T>C

Genes: CYLD-AS2 (CYLD antisense RNA 2; minus strand), CYLD (CYLD lysine 63 deubiquitinase; plus strand). Cytogenetic location: 16q12.1.
Variant type: single nucleotide variant.
Coding change: c.*1590T>C on transcript NM_001378743.1 (MANE Select); 1590 bases downstream of the stop codon, T replaced by C.
Molecular consequence: 3 prime UTR variant. On other transcripts: non-coding transcript variant (1).
Genome position (GRCh38, 1-based): chr16:50,798,098, T>C. VCF-style: chr16-50798098-T-C. GRCh37 (hg19) VCF-style: chr16-50832009-T-C.
Other names: c.*1590T>C (NM_001042355.2, NM_001042412.3, NM_001378744.1 and 12 more transcripts).
Identifiers: ClinVar variation 319525 (VCV000319525.29), dbSNP rs528844666, ClinGen allele CA10647637.
Genomic context (GRCh38, chr16:50,798,098, plus strand): 5'-GTTTAGGGCTAGCCCTGCCTCCATCTCCCTTGGGTAAAATGAAGGGTGTGGGGTAAAAGA[T>C]GCATAAGGCCTTTTCTAGCTCTGACAGCCTAGAAGTCCAATCACCCTGTAATAAATATGT-3'